The following is an entry in ClinVar:

ClinVar aggregate classification (germline): Uncertain significance (1 of 4 stars; one submission).

Submission:

GeneDx
Classification: Uncertain significance. Last evaluated: 2024-12-30. Review status: criteria provided, single submitter. Criteria: GeneDx Variant Classification Process June 2021. Collection method: clinical testing. Allele origin: germline. Affected: yes.
Comment: Not observed at significant frequency in large population cohorts (gnomAD); In silico analysis supports that this missense variant has a deleterious effect on protein structure/function; Has not been previously published as pathogenic or benign to our knowledge; This variant is associated with the following publications: (PMID: 19006240, 18767143)

NM_001999.4(FBN2):c.1646G>A (p.Cys549Tyr)

Gene: FBN2 (fibrillin 2; minus strand). Cytogenetic location: 5q23.3.
Variant type: single nucleotide variant.
Coding change: c.1646G>A on transcript NM_001999.4 (MANE Select); coding-DNA position 1646, G replaced by A.
Protein change: p.Cys549Tyr; replaces cysteine 549 with tyrosine.
Molecular consequence: missense variant.
Genome position (GRCh38, 1-based): chr5:128,378,848, C>T on the plus strand (G>A on the coding strand, the complement: FBN2 is on the minus strand). VCF-style: chr5-128378848-C-T. GRCh37 (hg19) VCF-style: chr5-127714541-C-T.
Other names: short protein forms C549Y.
Identifiers: ClinVar variation 4055855 (VCV004055855.1).